The following is an entry in ClinVar:

ClinVar aggregate classification (germline): Uncertain significance (1 of 4 stars; one submission).

Conditions:
Long QT syndrome (LQTS). Identifiers: MedGen C0023976, MeSH D008133, MONDO:0002442. Disease mechanism: loss of function. Inheritance: Various modes of inheritance.

gnomAD v4.1: 1 of 1,613,846 alleles (0.000062%); highest among the groups gnomAD compares: Non-Finnish European, 0.000085%; no homozygotes.

Submission:

Labcorp Genetics (formerly Invitae), Labcorp
Classification: Uncertain significance for Long QT syndrome. Last evaluated: 2024-12-11. Review status: criteria provided, single submitter. Criteria: Invitae Variant Classification Sherloc (09022015). Collection method: clinical testing. Allele origin: germline.
Comment: This sequence change replaces histidine, which is basic and polar, with arginine, which is basic and polar, at codon 568 of the ANK2 protein (p.His568Arg). This variant is not present in population databases (gnomAD no frequency). This variant has not been reported in the literature in individuals affected with ANK2-related conditions. Invitae Evidence Modeling of protein sequence and biophysical properties (such as structural, functional, and spatial information, amino acid conservation, physicochemical variation, residue mobility, and thermodynamic stability) indicates that this missense variant is expected to disrupt ANK2 protein function with a positive predictive value of 80%. In summary, the available evidence is currently insufficient to determine the role of this variant in disease. Therefore, it has been classified as a Variant of Uncertain Significance.

NM_001148.6(ANK2):c.1703A>G (p.His568Arg)

Gene: ANK2 (ankyrin 2; plus strand). Cytogenetic location: 4q26.
Variant type: single nucleotide variant.
Coding change: c.1703A>G on transcript NM_001148.6 (MANE Select); coding-DNA position 1703, A replaced by G.
Protein change: p.His568Arg; replaces histidine 568 with arginine.
Molecular consequence: missense variant.
Genome position (GRCh38, 1-based): chr4:113,277,856, A>G. VCF-style: chr4-113277856-A-G. GRCh37 (hg19) VCF-style: chr4-114199012-A-G.
Other names: c.1640A>G, p.His547Arg (NM_001354255.2, NM_001354256.2, NM_001354257.2 and 14 more transcripts); c.1703A>G, p.His568Arg (NM_001354258.2, NM_001354265.2, NM_020977.5 and 8 more transcripts); c.1616A>G, p.His539Arg (NM_001354260.2, NM_001354264.2, NM_001354276.2 and 13 more transcripts); c.1661A>G, p.His554Arg (NM_001354261.2, NM_001386147.1, NM_001386160.1); c.1418A>G, p.His473Arg (NM_001354277.2, NM_001386157.1, NM_001386158.1); c.1748A>G, p.His583Arg (NM_001386144.1, NM_001354241.2, NM_001354242.2 and 5 more transcripts); c.1691A>G, p.His564Arg (NM_001386148.2, NM_001386186.2); c.1754A>G, p.His585Arg (NM_001386174.1); and 4 more; short protein forms H473R, H554R, H556R, H568R, H502R, H539R, H564R, H583R.
Identifiers: ClinVar variation 3709019 (VCV003709019.2).